The following is an entry in ClinVar:

ClinVar aggregate classification (germline): Benign/Likely benign. Review status: criteria provided, multiple submitters, no conflicts (2 of 4 stars). 2 submissions from 2 submitters: Benign (1); Likely benign (1). Last evaluated 2024-09-26.

Conditions:
Hereditary cancer-predisposing syndrome. Also called: Hereditary Cancer Syndrome; Hereditary neoplastic syndrome; Neoplastic Syndromes, Hereditary; Tumor predisposition. Identifiers: Orphanet 140162, MedGen C0027672, MeSH D009386, MONDO:0015356.
Melanoma, cutaneous malignant, susceptibility to, 3. Also called: Cutaneous malignant melanoma 3. Identifiers: Orphanet 618, MedGen C1836892, MONDO:0012183, OMIM 609048.

Submissions (2):

Myriad Genetics, Inc.
Classification: Benign for Melanoma, cutaneous malignant, susceptibility to, 3. Last evaluated: 2024-09-26. Review status: criteria provided, single submitter. Criteria: Myriad Autosomal Dominant, Autosomal Recessive and X-Linked Classification Criteria (2023). Collection method: clinical testing. Allele origin: unknown.
Comment: This variant is considered benign. This variant is a silent/synonymous amino acid change and it is not expected to impact splicing.

Ambry Genetics
Classification: Likely benign for Hereditary cancer-predisposing syndrome. Last evaluated: 2020-09-21. Review status: criteria provided, single submitter. Criteria: Ambry Variant Classification Scheme 2023. Collection method: clinical testing. Allele origin: germline.

NM_000075.4(CDK4):c.570A>T (p.Thr190=)

Gene: CDK4 (cyclin dependent kinase 4; minus strand). Cytogenetic location: 12q14.1.
Variant type: single nucleotide variant.
Coding change: c.570A>T on transcript NM_000075.4 (MANE Select); coding-DNA position 570, A replaced by T.
Protein change: p.Thr190=; no amino-acid change (threonine 190 retained).
Molecular consequence: synonymous variant.
Genome position (GRCh38, 1-based): chr12:57,750,718, T>A on the plus strand (A>T on the coding strand, the complement: CDK4 is on the minus strand). VCF-style: chr12-57750718-T-A. GRCh37 (hg19) VCF-style: chr12-58144501-T-A.
Identifiers: ClinVar variation 1749199 (VCV001749199.3), dbSNP rs1428628208, ClinGen allele CA480301213.